The following is an entry in ClinVar:

ClinVar aggregate classification (germline): Uncertain significance. Review status: criteria provided, multiple submitters, no conflicts (2 of 4 stars). 2 submissions from 2 submitters: Uncertain significance (2). Last evaluated 2026-06-01.

Submissions (2):

CeGaT Center for Human Genetics Tuebingen
Classification: Uncertain significance. Last evaluated: 2026-06-01. Review status: criteria provided, single submitter. Criteria: CeGaT Center For Human Genetics Tuebingen Variant Classification Criteria Version 2. Collection method: clinical testing. Allele origin: germline. Affected: yes. Observed: 1 variant allele.
Comment: COL9A3: PM2, PM4

Labcorp Genetics (formerly Invitae), Labcorp
Classification: Uncertain significance. Last evaluated: 2025-06-25. Review status: criteria provided, single submitter. Criteria: Invitae Variant Classification Sherloc (09022015). Collection method: clinical testing. Allele origin: germline.
Comment: This variant, c.2019_2021del, results in the deletion of 1 amino acid(s) of the COL9A3 protein (p.Gly674del), but otherwise preserves the integrity of the reading frame. This variant is present in population databases (no rsID available, gnomAD 0.01%). This variant has not been reported in the literature in individuals affected with COL9A3-related conditions. Experimental studies and prediction algorithms are not available or were not evaluated, and the functional significance of this variant is currently unknown. In summary, the available evidence is currently insufficient to determine the role of this variant in disease. Therefore, it has been classified as a Variant of Uncertain Significance.

NM_001853.4(COL9A3):c.2016AGG[1] (p.Gly674del)

Gene: COL9A3 (collagen type IX alpha 3 chain; plus strand). Cytogenetic location: 20q13.33.
Variant type: Microsatellite.
Coding change: c.2016AGG[1] on transcript NM_001853.4 (MANE Select); one copy of the 3-base unit AGG starting at c.2016; the reference has two copies in a row; one copy, 3 bases deleted.
Protein change: p.Gly674del; deletes glycine 674.
Genome position (GRCh38, 1-based): chr20:62,840,696-62,840,698, AGG deleted; deleting any 3 consecutive bases within chr20:62,840,693-62,840,698 gives the same sequence; the position shown is the placement nearest the transcript's 3' end. VCF-style (leftmost placement, unchanged base first): chr20-62840692-TAGG-T. GRCh37 (hg19) VCF-style: chr20-61472044-TAGG-T.
Other names: short protein forms G674del.
Identifiers: ClinVar variation 4766552 (VCV004766552.3).